The following is an entry in ClinVar:

ClinVar aggregate classification (germline): Uncertain significance (1 of 4 stars; one submission).

Submission:

Ambry Genetics
Classification: Uncertain significance. Last evaluated: 2025-11-25. Review status: criteria provided, single submitter. Criteria: Ambry Variant Classification Scheme 2023. Collection method: clinical testing. Allele origin: germline.
Comment: The p.E129G variant (also known as c.386A>G), located in coding exon 1 of the CDK12 gene, results from an A to G substitution at nucleotide position 386. The glutamic acid at codon 129 is replaced by glycine, an amino acid with similar properties. This amino acid position is conserved. In addition, this alteration is predicted to be tolerated by in silico analysis. Based on the available evidence, the clinical significance of this variant remains unclear.

NM_016507.4(CDK12):c.386A>G (p.Glu129Gly)

Genes: CDK12 (cyclin dependent kinase 12; plus strand), LOC126862553 (CDK7 strongly-dependent group 2 enhancer GRCh37_chr17:37618166-37619365; plus strand). Cytogenetic location: 17q12.
Variant type: single nucleotide variant.
Coding change: c.386A>G on transcript NM_016507.4 (MANE Select); coding-DNA position 386, A replaced by G.
Protein change: p.Glu129Gly; replaces glutamic acid 129 with glycine.
Molecular consequence: missense variant.
Genome position (GRCh38, 1-based): chr17:39,462,457, A>G. VCF-style: chr17-39462457-A-G. GRCh37 (hg19) VCF-style: chr17-37618710-A-G.
Other names: c.386A>G, p.Glu129Gly (NM_015083.4); short protein forms E129G.
Identifiers: ClinVar variation 4651464 (VCV004651464.1).
Genomic context (GRCh38, chr17:39,462,457, plus strand): 5'-ACAAACATCGTCACCACCAGCACAGGCGTTCCCGGGACTTACTAAAAGCTAAACAGACCG[A>G]AAAAGAAAAAAGCCAAGAAGTCTCCAGCAAGTCGGGATCGATGAAGGACCGGATATCGGG-3'
Protein context (NP_057591.2, residues 119-139): SRDLLKAKQT[Glu129Gly]KEKSQEVSSK